The following is an entry in ClinVar:

ClinVar aggregate classification (germline): Uncertain significance. Review status: criteria provided, multiple submitters, no conflicts (2 of 4 stars). 2 submissions from 2 submitters: Uncertain significance (2). Last evaluated 2026-07-26.

Conditions:
Familial thoracic aortic aneurysm and aortic dissection (TAAD). Also called: Thoracic aortic aneurysms and dissections. Identifiers: Orphanet 91387, MedGen C4707243, MONDO:0019625.

gnomAD v4.1: 2 of 1,607,658 alleles (0.00012%); highest among the groups gnomAD compares: Admixed American, 0.0017%; no homozygotes.

Submissions (2):

Ambry Genetics
Classification: Uncertain significance for Familial thoracic aortic aneurysm and aortic dissection. Last evaluated: 2026-07-26. Review status: criteria provided, single submitter. Criteria: Ambry Variant Classification Scheme 2023. Collection method: clinical testing. Allele origin: germline.
Comment: The p.I1790T variant (also known as c.5369T>C), located in coding exon 42 of the FBN2 gene, results from a T to C substitution at nucleotide position 5369. The isoleucine at codon 1790 is replaced by threonine, an amino acid with similar properties. This amino acid position is conserved. In addition, this alteration is predicted to be deleterious by in silico analysis. Based on the available evidence, the clinical significance of this variant remains unclear.

Dasa
Classification: Uncertain significance. Last evaluated: 2024-08-23. Review status: criteria provided, single submitter. Criteria: DASA Assertion Criteria. Collection method: clinical testing. Allele origin: germline.
Comment: NM_001999.4(FBN2):c.5369T>C (p.Ile1790Thr) is a missense variant that results in the substitution of isoleucine with threonine. This variant is rare in population databases. Computational prediction algorithms are consistent with a deleterious effect. The currently available literature and clinical evidence are not sufficient to establish a definitive association between this variant and the reported condition. Therefore, this variant is classified as a variant of uncertain significance.

NM_001999.4(FBN2):c.5369T>C (p.Ile1790Thr)

Gene: FBN2 (fibrillin 2; minus strand). Cytogenetic location: 5q23.3.
Variant type: single nucleotide variant.
Coding change: c.5369T>C on transcript NM_001999.4 (MANE Select); coding-DNA position 5369, T replaced by C.
Protein change: p.Ile1790Thr; replaces isoleucine 1790 with threonine.
Molecular consequence: missense variant.
Genome position (GRCh38, 1-based): chr5:128,307,188, A>G on the plus strand (T>C on the coding strand, the complement: FBN2 is on the minus strand). VCF-style: chr5-128307188-A-G. GRCh37 (hg19) VCF-style: chr5-127642880-A-G.
Other names: c.5369T>C (NM_001999.3); short protein forms I1790T.
Identifiers: ClinVar variation 5021080 (VCV005021080.2).